The following is an entry in ClinVar:

ClinVar aggregate classification (germline): Likely benign (0 of 4 stars; one submission).

Conditions:
Polycystic kidney disease. Also called: Polycystic kidney dysplasia; Kidney, Polycystic. Identifiers: MedGen C0022680, MeSH D007690, MONDO:0020642, HP:0000113.

Allele frequency attached by ClinVar (database versions not stated): gnomAD exomes below 0.00001; TOPMed 0.00001.
gnomAD v4.1: 1 of 1,608,600 alleles (0.000062%); highest among the groups gnomAD compares: East Asian, 0.0022%; no homozygotes.

Submission:

Department of Pathology and Laboratory Medicine, Sinai Health System
Classification: Likely benign for Polycystic Kidney disease. Review status: no assertion criteria provided. Collection method: clinical testing. Allele origin: unknown. Affected: yes. Study: The Canadian Open Genetics Repository (COGR).
Comment: The PKD1 p.Gly2069= variant was not identified in the literature nor was it identified in dbSNP, ClinVar, LOVD 3.0, ADPKD Mutation Database, and PKD1-LOVD databases. The variant was identified in control databases in 1 of 236052 chromosomes at a frequency of 0.000004 (Genome Aggregation Database Feb 27, 2017), observed in the following population: East Asian in 1 of 16902 chromosomes (freq: 0.00006) while not observed in the African, Other, Latino, European Non-Finnish, Ashkenazi Jewish, European Finnish, and South Asian populations. In addition we cannot be certain that data from control databases is specific to PKD1 and not from one of the six PKD1 pseudogenes. The p.Gly2069= variant is not expected to have clinical significance because it does not result in a change of amino acid and is not located in a known consensus splice site. In addition, in silico or computational prediction software programs (SpliceSiteFinder, MaxEntScan, NNSPLICE, GeneSplicer) do not predict a difference in splicing. In summary, based on the above information the clinical significance of this variant cannot be determined with certainty at this time although we would lean towards a more benign role for this variant. This variant is classified as likely benign.

NM_001009944.3(PKD1):c.6207C>T (p.Gly2069=)

Gene: PKD1 (polycystin 1, transient receptor potential channel interacting; minus strand). Cytogenetic location: 16p13.3.
Variant type: single nucleotide variant.
Coding change: c.6207C>T on transcript NM_001009944.3 (MANE Select); coding-DNA position 6207, C replaced by T.
Protein change: p.Gly2069=; no amino-acid change (glycine 2069 retained).
Molecular consequence: synonymous variant.
Genome position (GRCh38, 1-based): chr16:2,108,960, G>A on the plus strand (C>T on the coding strand, the complement: PKD1 is on the minus strand). VCF-style: chr16-2108960-G-A. GRCh37 (hg19) VCF-style: chr16-2158961-G-A.
Other names: c.6207C>T, p.Gly2069= (NM_000296.4).
Identifiers: ClinVar variation 997345 (VCV000997345.1), dbSNP rs1478973195, ClinGen allele CA493047091.